The following is an entry in ClinVar:

NM_175914.5(HNF4A):c.337G>C (p.Asp113His)

Gene: HNF4A (hepatocyte nuclear factor 4 alpha; plus strand). Cytogenetic location: 20q13.12.
Variant type: single nucleotide variant.
Coding change: c.337G>C on transcript NM_175914.5 (MANE Select); coding-DNA position 337, G replaced by C.
Protein change: p.Asp113His; replaces aspartic acid 113 with histidine.
Molecular consequence: missense variant.
Genome position (GRCh38, 1-based): chr20:44,413,711, G>C. VCF-style: chr20-44413711-G-C. GRCh37 (hg19) VCF-style: chr20-43042351-G-C.
Other names: NM_175914.5:c.337G>C; c.403G>C, p.Asp135His (NM_000457.6, NM_178849.3, NM_178850.3); c.337G>C, p.Asp113His (NM_001030003.3, NM_001030004.3); c.382G>C, p.Asp128His (NM_001258355.2); c.328G>C, p.Asp110His (NM_001287182.2, NM_001287183.2, NM_001287184.2); short protein forms D110H, D113H, D128H, D135H.
Identifiers: ClinVar variation 2502289 (VCV002502289.1), dbSNP rs2515675121, ClinGen allele CA409105438.

ClinVar aggregate classification (germline): Uncertain significance (3 of 4 stars; one submission).

Conditions:
Monogenic diabetes. Identifiers: Orphanet 183625, MedGen C3888631, MONDO:0015967.

Submission:

ClinGen Monogenic Diabetes Variant Curation Expert Panel
Classification: Uncertain significance for Monogenic diabetes. Last evaluated: 2023-03-27. Review status: reviewed by expert panel. Criteria: MDEP HNF4A Specificiations 1.0.0. Collection method: curation. Allele origin: germline. Inheritance: Autosomal dominant inheritance.
Comment: The c.337G>C variant in the hepatocyte nuclear factor -4 alpha gene, HNF4A, causes an amino acid change of asparagine to a histidine at codon 113 (p.(Asp113His)) of NM_175914.5. Functional studies have demonstrated the p. Asp113His protein has DNA binding below 40% of wild type indicating that this variant impacts protein function (PS3_Supporting; PMID: 15233628). Additionally, this variant resides in an amino acid within the HNF4A DNA binding domain that directly binds DNA, which is necessary for homodimer formation and defined as critical for the protein’s function by the ClinGen MDEP (PM1). This variant is also absent from gnomAD v2.1.1 (PM2_Supporting). Based on its REVEL score of 0.959, which is greater than the MDEP VCEP threshold of 0.70, this variant is predicted to be deleterious by computational evidence (PP3). The variant was found in an individual with diabetes who was a compound heterozygote for this variant and p.Asp113Tyr; however, the MODY probability calculator score was <50% and there was evidence of an autoimmune etiology, and PP4 could not be applied (PMID: 11232004). The p.Asp113Tyr variant is a VUS; therefore, PM5 could not be applied. In summary, c.337G>C meets the criteria to be classified as a variant of uncertain significance for monogenic diabetes. ACMG/AMP criteria applied, as specified by the ClinGen MDEP VCEP (specification version 1.1,0, approved 11/16/2022): PS3_Supporting, PM1_Moderate, PM2_Supporting, PP3.